The following is an entry in ClinVar:

ClinVar aggregate classification (germline): Uncertain significance (1 of 4 stars; one submission).

Allele frequency attached by ClinVar (database versions not stated): ExAC 0.00001.
gnomAD v4.1: 2 of 1,612,982 alleles (0.00012%); highest among the groups gnomAD compares: Non-Finnish European, 0.00017%; no homozygotes.

Submission:

Labcorp Genetics (formerly Invitae), Labcorp
Classification: Uncertain significance. Last evaluated: 2023-09-09. Review status: criteria provided, single submitter. Criteria: Invitae Variant Classification Sherloc (09022015). Collection method: clinical testing. Allele origin: germline.
Comment: This sequence change replaces proline, which is neutral and non-polar, with serine, which is neutral and polar, at codon 197 of the NOTCH3 protein (p.Pro197Ser). In summary, the available evidence is currently insufficient to determine the role of this variant in disease. Therefore, it has been classified as a Variant of Uncertain Significance. Advanced modeling of protein sequence and biophysical properties (such as structural, functional, and spatial information, amino acid conservation, physicochemical variation, residue mobility, and thermodynamic stability) performed at Invitae indicates that this missense variant is not expected to disrupt NOTCH3 protein function. This variant has not been reported in the literature in individuals affected with NOTCH3-related conditions. This variant is present in population databases (rs746681101, gnomAD 0.0009%).

NM_000435.3(NOTCH3):c.589C>T (p.Pro197Ser)

Gene: NOTCH3 (notch receptor 3; minus strand). Cytogenetic location: 19p13.12.
Variant type: single nucleotide variant.
Coding change: c.589C>T on transcript NM_000435.3 (MANE Select); coding-DNA position 589, C replaced by T.
Protein change: p.Pro197Ser; replaces proline 197 with serine.
Molecular consequence: missense variant.
Genome position (GRCh38, 1-based): chr19:15,192,050, G>A on the plus strand (C>T on the coding strand, the complement: NOTCH3 is on the minus strand). VCF-style: chr19-15192050-G-A. GRCh37 (hg19) VCF-style: chr19-15302861-G-A.
Other names: short protein forms P197S.
Identifiers: ClinVar variation 2759277 (VCV002759277.3), dbSNP rs746681101, ClinGen allele CA9263860.